The following is an entry in ClinVar:

ClinVar aggregate classification (germline): Uncertain significance (1 of 4 stars; one submission).

Conditions:
Gastrointestinal stromal tumor. Also called: Gastrointestinal stromal tumor, somatic; Gastrointestinal stroma tumor. Identifiers: Orphanet 44890, MedGen C0238198, MeSH D046152, MONDO:0011719, OMIM 606764, HP:0100723.

Allele frequency attached by ClinVar (database versions not stated): ExAC 0.00001.
gnomAD v4.1: 1 of 1,614,092 alleles (0.000062%); highest among the groups gnomAD compares: South Asian, 0.0011%; no homozygotes.

Submission:

Labcorp Genetics (formerly Invitae), Labcorp
Classification: Uncertain significance for Gastrointestinal stromal tumor. Last evaluated: 2023-05-21. Review status: criteria provided, single submitter. Criteria: Invitae Variant Classification Sherloc (09022015). Collection method: clinical testing. Allele origin: germline.
Comment: This sequence change replaces methionine, which is neutral and non-polar, with leucine, which is neutral and non-polar, at codon 618 of the KIT protein (p.Met618Leu). This variant is present in population databases (rs760939861, gnomAD 0.003%). This variant has not been reported in the literature in individuals affected with KIT-related conditions. An algorithm developed to predict the effect of missense changes on protein structure and function (PolyPhen-2) suggests that this variant is likely to be tolerated. In summary, the available evidence is currently insufficient to determine the role of this variant in disease. Therefore, it has been classified as a Variant of Uncertain Significance.

NM_000222.3(KIT):c.1852A>C (p.Met618Leu)

Gene: KIT (KIT proto-oncogene, receptor tyrosine kinase; plus strand). Cytogenetic location: 4q12.
Variant type: single nucleotide variant.
Coding change: c.1852A>C on transcript NM_000222.3 (MANE Select); coding-DNA position 1852, A replaced by C.
Protein change: p.Met618Leu; replaces methionine 618 with leucine.
Molecular consequence: missense variant.
Genome position (GRCh38, 1-based): chr4:54,727,900, A>C. VCF-style: chr4-54727900-A-C. GRCh37 (hg19) VCF-style: chr4-55594066-A-C.
Other names: c.1840A>C, p.Met614Leu (NM_001385286.1, NM_001093772.2); c.1843A>C, p.Met615Leu (NM_001385288.1, NM_001385292.1); c.1855A>C, p.Met619Leu (NM_001385290.1, NM_001385284.1); c.1852A>C, p.Met618Leu (NM_001385285.1); short protein forms M615L, M618L, M619L, M614L.
Identifiers: ClinVar variation 2866553 (VCV002866553.3), dbSNP rs760939861, ClinGen allele CA2923585.